The following is an entry in ClinVar:

NM_001177316.2(SLC34A3):c.1609C>T (p.Arg537Cys)

Gene: SLC34A3 (solute carrier family 34 member 3; plus strand). Cytogenetic location: 9q34.3.
Variant type: single nucleotide variant.
Coding change: c.1609C>T on transcript NM_001177316.2 (MANE Select); coding-DNA position 1609, C replaced by T.
Protein change: p.Arg537Cys; replaces arginine 537 with cysteine.
Molecular consequence: missense variant.
Genome position (GRCh38, 1-based): chr9:137,236,225, C>T. VCF-style: chr9-137236225-C-T. GRCh37 (hg19) VCF-style: chr9-140130677-C-T.
Other names: c.1609C>T, p.Arg537Cys (NM_001177317.2, NM_080877.3); short protein forms R537C.
Identifiers: ClinVar variation 1057188 (VCV001057188.10), dbSNP rs781443814, ClinGen allele CA5365011.
Genomic context (GRCh38, chr9:137,236,225, plus strand): 5'-GTCGGGGGTCCCCTGGTGGGGCTGGTGCTCCTCGTCATCCTGGTTACTGTCCTGCAGCGG[C>T]GCCGGCCGGCCTGGCTGCCTGTCCGCCTGCGCTCCTGGGCCTGGCTCCCCGTCTGGCTCC-3'
Protein context (NP_001170787.2, residues 527-547): LVILVTVLQR[Arg537Cys]RPAWLPVRLR

ClinVar aggregate classification (germline): Uncertain significance. Review status: criteria provided, multiple submitters, no conflicts (2 of 4 stars). 3 submissions from 3 submitters: Uncertain significance (3). Last evaluated 2023-10-04.

Conditions:
Inborn genetic diseases. Identifiers: MedGen C0950123, MeSH D030342.
Autosomal recessive hypophosphatemic bone disease (HHRH). Also called: Hypophosphatemic rickets with hypercalciuria; HYPERCALCIURIC RICKETS. Identifiers: Orphanet 157215, MedGen C1853271, MONDO:0009431, OMIM 241530.

Allele frequency attached by ClinVar (database versions not stated): TOPMed 0.00005; gnomAD 0.00006; gnomAD exomes 0.00010; ExAC 0.00018.

Submissions (3):

Labcorp Genetics (formerly Invitae), Labcorp
Classification: Uncertain significance. Last evaluated: 2023-10-04. Review status: criteria provided, single submitter. Criteria: Invitae Variant Classification Sherloc (09022015). Collection method: clinical testing. Allele origin: germline.
Comment: This sequence change replaces arginine, which is basic and polar, with cysteine, which is neutral and slightly polar, at codon 537 of the SLC34A3 protein (p.Arg537Cys). This variant is present in population databases (rs781443814, gnomAD 0.02%). This variant has not been reported in the literature in individuals affected with SLC34A3-related conditions. ClinVar contains an entry for this variant (Variation ID: 1057188). Advanced modeling of protein sequence and biophysical properties (such as structural, functional, and spatial information, amino acid conservation, physicochemical variation, residue mobility, and thermodynamic stability) performed at Invitae indicates that this missense variant is not expected to disrupt SLC34A3 protein function. In summary, the available evidence is currently insufficient to determine the role of this variant in disease. Therefore, it has been classified as a Variant of Uncertain Significance.

Fulgent Genetics
Classification: Uncertain significance for Autosomal recessive hypophosphatemic bone disease. Last evaluated: 2022-03-04. Review status: criteria provided, single submitter. Criteria: ACMG Guidelines, 2015. Collection method: clinical testing. Allele origin: unknown.

Ambry Genetics
Classification: Uncertain significance for Inborn genetic diseases. Last evaluated: 2021-10-22. Review status: criteria provided, single submitter. Criteria: Ambry Variant Classification Scheme 2023. Collection method: clinical testing. Allele origin: germline.